The following is an entry in ClinVar:

ClinVar aggregate classification (germline): Uncertain significance (1 of 4 stars; one submission).

Conditions:
Hypertrophic cardiomyopathy 2. Also called: TNNT2-Related Familial Hypertrophic Cardiomyopathy. Identifiers: MedGen C1861864, MONDO:0007266, OMIM 115195.
Dilated cardiomyopathy 1D. Identifiers: Orphanet 154, Orphanet 54260, MedGen C1832243, MONDO:0011095, OMIM 601494.
Cardiomyopathy, familial restrictive, 3. Identifiers: Orphanet 75249, MedGen C2676271, MONDO:0012900, OMIM 612422.

Allele frequency attached by ClinVar (database versions not stated): gnomAD exomes below 0.00001; TOPMed below 0.00001.

Submission:

Labcorp Genetics (formerly Invitae), Labcorp
Classification: Uncertain significance for Cardiomyopathy, familial restrictive, 3; Hypertrophic cardiomyopathy 2; Dilated cardiomyopathy 1D. Last evaluated: 2022-12-21. Review status: criteria provided, single submitter. Criteria: Invitae Variant Classification Sherloc (09022015). Collection method: clinical testing. Allele origin: germline.
Comment: This sequence change replaces alanine, which is neutral and non-polar, with threonine, which is neutral and polar, at codon 52 of the TNNT2 protein (p.Ala52Thr). This variant is present in population databases (no rsID available, gnomAD 0.007%). This variant has not been reported in the literature in individuals affected with TNNT2-related conditions. Advanced modeling of protein sequence and biophysical properties (such as structural, functional, and spatial information, amino acid conservation, physicochemical variation, residue mobility, and thermodynamic stability) performed at Invitae indicates that this missense variant is not expected to disrupt TNNT2 protein function. In summary, the available evidence is currently insufficient to determine the role of this variant in disease. Therefore, it has been classified as a Variant of Uncertain Significance.

NM_001276345.2(TNNT2):c.184G>A (p.Ala62Thr)

Gene: TNNT2 (troponin T2, cardiac type; minus strand). Cytogenetic location: 1q32.1.
Variant type: single nucleotide variant.
Coding change: c.184G>A on transcript NM_001276345.2 (MANE Select); coding-DNA position 184, G replaced by A.
Protein change: p.Ala62Thr; replaces alanine 62 with threonine.
Molecular consequence: missense variant.
Genome position (GRCh38, 1-based): chr1:201,367,786, C>T on the plus strand (G>A on the coding strand, the complement: TNNT2 is on the minus strand). VCF-style: chr1-201367786-C-T. GRCh37 (hg19) VCF-style: chr1-201336914-C-T.
Other names: c.184G>A, p.Ala62Thr (NM_000364.4, NM_001406723.1); c.154G>A, p.Ala52Thr (NM_001001430.3, NM_001001431.3, NM_001276347.2 and 3 more transcripts); c.139G>A, p.Ala47Thr (NM_001001432.3, NM_001406728.1); c.181G>A, p.Ala61Thr (NM_001276346.2); c.151G>A, p.Ala51Thr (NM_001406725.1); short protein forms A61T, A62T, A51T, A47T, A52T.
Identifiers: ClinVar variation 2932877 (VCV002932877.3), dbSNP rs1392406286, ClinGen allele CA344207003.